The following is an entry in ClinVar:

NM_000219.6(KCNE1):c.58A>T (p.Thr20Ser)

Gene: KCNE1 (potassium voltage-gated channel subfamily E regulatory subunit 1; minus strand). Cytogenetic location: 21q22.12.
Variant type: single nucleotide variant.
Coding change: c.58A>T on transcript NM_000219.6 (MANE Select); coding-DNA position 58, A replaced by T.
Protein change: p.Thr20Ser; replaces threonine 20 with serine.
Molecular consequence: missense variant.
Genome position (GRCh38, 1-based): chr21:34,449,577, T>A on the plus strand (A>T on the coding strand, the complement: KCNE1 is on the minus strand). VCF-style: chr21-34449577-T-A. GRCh37 (hg19) VCF-style: chr21-35821875-T-A.
Other names: c.58A>T, p.Thr20Ser (NM_001127668.4, NM_001127669.4, NM_001127670.4 and 4 more transcripts); short protein forms T20S.
Identifiers: ClinVar variation 3373932 (VCV003373932.2).

Conditions:
Long QT syndrome 5 (LQT5). Identifiers: Orphanet 101016, Orphanet 768, MedGen C1867904, MONDO:0013372, OMIM 613695.

Submission:

Roden Lab, Vanderbilt University Medical Center
No classification provided (evidence only). Condition: Long QT syndrome 5. Review status: no classification provided. Collection method: in vitro. Allele origin: not applicable. Functional consequence: Effect on ion channel function.
ClinVar note: "not provided" was previously submitted as the classification for the variant. However, the classification appeared to be based only on an observation of functional data so it was converted to no classification on 2025-07-30.